The following is an entry in ClinVar:

ClinVar aggregate classification (germline): Conflicting classifications of pathogenicity. Review status: criteria provided, conflicting classifications (1 of 4 stars). 3 submissions from 3 submitters: Uncertain significance (2); Likely benign (1). Last evaluated 2023-05-11.

Conditions:
Familial sleep-related hypermotor epilepsy. Also called: Autosomal Dominant Sleep-Related Hypermotor (Hyperkinetic) Epilepsy. Identifiers: Orphanet 98784, MedGen C3696898, MONDO:0000030.

Allele frequency attached by ClinVar (database versions not stated): gnomAD exomes below 0.00001; gnomAD 0.00001; TOPMed 0.00002; ESP Exome Variant Server 0.00008.
gnomAD v4.1: 9 of 1,613,676 alleles (0.00056%); highest among the groups gnomAD compares: South Asian, 0.0011%; no homozygotes.

Submissions (3):

Blueprint Genetics
Classification: Uncertain significance. Last evaluated: 2023-05-11. Review status: criteria provided, single submitter. Criteria: ACMG Guidelines, 2015. Collection method: clinical testing. Allele origin: germline.

GeneDx
Classification: Uncertain significance. Last evaluated: 2023-01-17. Review status: criteria provided, single submitter. Criteria: GeneDx Variant Classification Process June 2021. Collection method: clinical testing. Allele origin: germline. Affected: yes.
Comment: Not observed in large population cohorts (gnomAD); In silico analysis supports that this missense variant has a deleterious effect on protein structure/function; Has not been previously published as pathogenic or benign to our knowledge

Labcorp Genetics (formerly Invitae), Labcorp
Classification: Likely benign. Last evaluated: 2022-10-05. Review status: criteria provided, single submitter. Criteria: Invitae Variant Classification Sherloc (09022015). Collection method: clinical testing. Allele origin: germline.

NM_000744.7(CHRNA4):c.784G>A (p.Val262Met)

Gene: CHRNA4 (cholinergic receptor nicotinic alpha 4 subunit; minus strand). Cytogenetic location: 20q13.33.
Variant type: single nucleotide variant.
Coding change: c.784G>A on transcript NM_000744.7 (MANE Select); coding-DNA position 784, G replaced by A.
Protein change: p.Val262Met; replaces valine 262 with methionine.
Molecular consequence: missense variant. On other transcripts: non-coding transcript variant (1).
Genome position (GRCh38, 1-based): chr20:63,350,627, C>T on the plus strand (G>A on the coding strand, the complement: CHRNA4 is on the minus strand). VCF-style: chr20-63350627-C-T. GRCh37 (hg19) VCF-style: chr20-61981979-C-T.
Other names: c.256G>A, p.Val86Met (NM_001256573.2); short protein forms V86M, V262M.
Identifiers: ClinVar variation 1041298 (VCV001041298.11), dbSNP rs150082508, ClinGen allele CA317435826.